The following is an entry in ClinVar:

NM_017617.5(NOTCH1):c.3395G>A (p.Arg1132His)

Gene: NOTCH1 (notch receptor 1; minus strand). Cytogenetic location: 9q34.3.
Variant type: single nucleotide variant.
Coding change: c.3395G>A on transcript NM_017617.5 (MANE Select); coding-DNA position 3395, G replaced by A.
Protein change: p.Arg1132His; replaces arginine 1132 with histidine.
Molecular consequence: missense variant.
Genome position (GRCh38, 1-based): chr9:136,508,070, C>T on the plus strand (G>A on the coding strand, the complement: NOTCH1 is on the minus strand). VCF-style: chr9-136508070-C-T. GRCh37 (hg19) VCF-style: chr9-139402522-C-T.
Other names: short protein forms R1132H.
Identifiers: ClinVar variation 1302292 (VCV001302292.7), dbSNP rs1336014812, ClinGen allele CA375551348.

ClinVar aggregate classification (germline): Conflicting classifications of pathogenicity. Review status: criteria provided, conflicting classifications (1 of 4 stars). 3 submissions from 3 submitters: Uncertain significance (2); Likely benign (1). Last evaluated 2025-07-08.

Conditions:
Adams-Oliver syndrome 5 (AOS5). Identifiers: Orphanet 974, MedGen C4014970, MONDO:0014459, OMIM 616028.
Familial thoracic aortic aneurysm and aortic dissection (TAAD). Also called: Thoracic aortic aneurysms and dissections. Identifiers: Orphanet 91387, MedGen C4707243, MONDO:0019625.

Allele frequency attached by ClinVar (database versions not stated): gnomAD exomes below 0.00001.
gnomAD v4.1: 11 of 1,610,820 alleles (0.00068%); highest among the groups gnomAD compares: East Asian, 0.0022%; no homozygotes.

Submissions (3):

Labcorp Genetics (formerly Invitae), Labcorp
Classification: Uncertain significance for Adams-Oliver syndrome 5. Last evaluated: 2025-07-08. Review status: criteria provided, single submitter. Criteria: Invitae Variant Classification Sherloc (09022015). Collection method: clinical testing. Allele origin: germline.
Comment: This sequence change replaces arginine, which is basic and polar, with histidine, which is basic and polar, at codon 1132 of the NOTCH1 protein (p.Arg1132His). This variant is present in population databases (no rsID available, gnomAD 0.0009%). This variant has not been reported in the literature in individuals affected with NOTCH1-related conditions. ClinVar contains an entry for this variant (Variation ID: 1302292). Invitae Evidence Modeling of protein sequence and biophysical properties (such as structural, functional, and spatial information, amino acid conservation, physicochemical variation, residue mobility, and thermodynamic stability) indicates that this missense variant is not expected to disrupt NOTCH1 protein function with a negative predictive value of 80%. In summary, the available evidence is currently insufficient to determine the role of this variant in disease. Therefore, it has been classified as a Variant of Uncertain Significance.

Ambry Genetics
Classification: Likely benign for Familial thoracic aortic aneurysm and aortic dissection. Last evaluated: 2019-10-31. Review status: criteria provided, single submitter. Criteria: Ambry Variant Classification Scheme 2023. Collection method: clinical testing. Allele origin: germline.

GeneDx
Classification: Uncertain significance. Last evaluated: 2019-07-09. Review status: criteria provided, single submitter. Criteria: GeneDx Variant Classification Process June 2021. Collection method: clinical testing. Allele origin: germline. Affected: yes.
Comment: Has not been previously published as pathogenic or benign to our knowledge; Not observed at a significant frequency in large population cohorts (Lek et al., 2016); In silico analysis, which includes protein predictors and evolutionary conservation, supports that this variant does not alter protein structure/function